The following is an entry in ClinVar:

NM_032444.4(SLX4):c.3630C>T (p.Ser1210=)

Gene: SLX4 (SLX4 structure-specific endonuclease subunit; minus strand). Cytogenetic location: 16p13.3.
Variant type: single nucleotide variant.
Coding change: c.3630C>T on transcript NM_032444.4 (MANE Select); coding-DNA position 3630, C replaced by T.
Protein change: p.Ser1210=; no amino-acid change (serine 1210 retained).
Molecular consequence: synonymous variant.
Genome position (GRCh38, 1-based): chr16:3,590,008, G>A on the plus strand (C>T on the coding strand, the complement: SLX4 is on the minus strand). VCF-style: chr16-3590008-G-A. GRCh37 (hg19) VCF-style: chr16-3640009-G-A.
Identifiers: ClinVar variation 706102 (VCV000706102.32), dbSNP rs1567169951, ClinGen allele CA493391213.

ClinVar aggregate classification (germline): Likely benign. Review status: criteria provided, multiple submitters, no conflicts (2 of 4 stars). 2 submissions from 2 submitters: Likely benign (2). Last evaluated 2025-12-22.

Conditions:
Fanconi anemia (FA). Also called: Fanconi's anemia. Identifiers: Orphanet 84, MedGen C0015625, MeSH D005199, MONDO:0019391.

Allele frequency attached by ClinVar (database versions not stated): gnomAD exomes below 0.00001 and 0.00001.
gnomAD v4.1: 10 of 1,614,076 alleles (0.00062%); highest among the groups gnomAD compares: South Asian, 0.0044%; no homozygotes.

Submissions (2):

Labcorp Genetics (formerly Invitae), Labcorp
Classification: Likely benign for Fanconi anemia. Last evaluated: 2025-12-22. Review status: criteria provided, single submitter. Criteria: Invitae Variant Classification Sherloc (09022015). Collection method: clinical testing. Allele origin: germline.

CeGaT Center for Human Genetics Tuebingen
Classification: Likely benign. Last evaluated: 2023-09-01. Review status: criteria provided, single submitter. Criteria: CeGaT Center For Human Genetics Tuebingen Variant Classification Criteria Version 2. Collection method: clinical testing. Allele origin: germline. Affected: yes. Observed: 1 variant allele.
Comment: SLX4: BP4, BP7